The following is an entry in ClinVar:

ClinVar aggregate classification (germline): Pathogenic/Likely pathogenic. Review status: criteria provided, multiple submitters, no conflicts (2 of 4 stars). 2 submissions from 2 submitters: Pathogenic (1); Likely pathogenic (1). Last evaluated 2024-08-30.

Conditions:
Deficiency of galactokinase. Also called: GALACTOSEMIA II; Galactokinase deficiency with cataracts. Identifiers: Orphanet 352, Orphanet 79237, MedGen C0268155, MONDO:0009255, OMIM 230200.

Allele frequency attached by ClinVar (database versions not stated): gnomAD exomes below 0.00001.

Submissions (2):

Natera, Inc.
Classification: Likely pathogenic for Deficiency of galactokinase. Last evaluated: 2024-08-30. Review status: criteria provided, single submitter. Criteria: Natera Variant Classification Schema (03/2026). Collection method: clinical testing. Allele origin: germline.
Comment: The c.327dup variant in GALK1 is a frameshift variant predicted to shift the reading frame beginning at codon 110 and leads to a stop codon 93 codons downstream. This variant is expected to result in nonsense mediated decay, truncation, or a dysfunctional protein product. This variant is rare in the general population with a frequency below the threshold expected for the associated phenotype(s). Given the available evidence, this variant is classified as Likely Pathogenic.

Labcorp Genetics (formerly Invitae), Labcorp
Classification: Pathogenic for Deficiency of galactokinase. Last evaluated: 2022-12-21. Review status: criteria provided, single submitter. Criteria: Invitae Variant Classification Sherloc (09022015). Collection method: clinical testing. Allele origin: germline.
Comment: For these reasons, this variant has been classified as Pathogenic. This variant has not been reported in the literature in individuals affected with GALK1-related conditions. This variant is not present in population databases (gnomAD no frequency). This sequence change creates a premature translational stop signal (p.Val110Cysfs*93) in the GALK1 gene. It is expected to result in an absent or disrupted protein product. Loss-of-function variants in GALK1 are known to be pathogenic (PMID: 7670469, 10790206).

Literature cited by the submitters: PubMed 7670469 (cited by Labcorp Genetics (formerly Invitae), Labcorp); PubMed 10790206 (cited by Labcorp Genetics (formerly Invitae), Labcorp).

NM_000154.2(GALK1):c.327dup (p.Val110fs)

Gene: GALK1 (galactokinase 1; minus strand). Cytogenetic location: 17q25.1.
Variant type: Duplication.
Coding change: c.327dup on transcript NM_000154.2 (MANE Select); coding-DNA position 327, one base duplicated (T; older notation c.327dupT).
Protein change: p.Val110fs; shifts the reading frame from valine 110.
Molecular consequence: frameshift variant.
Genome position (GRCh38, 1-based): chr17:75,763,925, A duplicated on the plus strand (T on the coding strand, the reverse complement: GALK1 is on the minus strand). VCF-style (leftmost placement, unchanged base first): chr17-75763924-C-CA. GRCh37 (hg19) VCF-style: chr17-73760005-C-CA.
Other names: c.327dup, p.Val110fs (NM_001381985.1); c.327dup (NM_000154.1); short protein forms V110fs.
Identifiers: ClinVar variation 2822812 (VCV002822812.4), dbSNP rs2545904210, ClinGen allele CA2639882044.